The following is an entry in ClinVar:

ClinVar aggregate classification (germline): Uncertain significance. Review status: criteria provided, multiple submitters, no conflicts (2 of 4 stars). 5 submissions from 5 submitters: Uncertain significance (3). 2 of the submissions do not count toward it. Last evaluated 2026-09-15.

Conditions:
Bardet-Biedl syndrome (BBS). Identifiers: Orphanet 110, MedGen C0752166, MONDO:0015229.
Bardet-Biedl syndrome 12 (BBS12). Identifiers: Orphanet 110, MedGen C1859570, MONDO:0014440, OMIM 615989.
BBS12-related disorder. Also called: BBS12-related condition.

Submissions (5):

PreventionGenetics, part of Exact Sciences
Classification: Uncertain significance for BBS12-related condition. Last evaluated: 2026-09-15. Review status: criteria provided, single submitter. Criteria: ACMG Guidelines, 2015. Collection method: clinical testing. Allele origin: germline.
Comment: The BBS12 c.34_36delAGA variant is predicted to result in an in-frame deletion (p.Arg12del). To our knowledge, this variant has not been reported in the literature. This variant is reported in 0.0044% of alleles in individuals of European (Non-Finnish) descent in gnomAD. At this time, the clinical significance of this variant is uncertain due to the absence of conclusive functional and genetic evidence.

Labcorp Genetics (formerly Invitae), Labcorp
Classification: Uncertain significance for Bardet-Biedl syndrome. Last evaluated: 2020-10-03. Review status: criteria provided, single submitter. Criteria: Invitae Variant Classification Sherloc (09022015). Collection method: clinical testing. Allele origin: germline.
Comment: This variant, c.34_36del, results in the deletion of 1 amino acid(s) of the BBS12 protein (p.Arg12del), but otherwise preserves the integrity of the reading frame. This variant is present in population databases (rs752885483, ExAC 0.006%). This variant has not been reported in the literature in individuals with BBS12-related conditions. ClinVar contains an entry for this variant (Variation ID: 444639). Experimental studies and prediction algorithms are not available or were not evaluated, and the functional significance of this variant is currently unknown. In summary, the available evidence is currently insufficient to determine the role of this variant in disease. Therefore, it has been classified as a Variant of Uncertain Significance.

CeGaT Center for Human Genetics Tuebingen
Classification: Uncertain significance. Last evaluated: 2017-05-01. Review status: criteria provided, single submitter. Criteria: CeGaT Center For Human Genetics Tuebingen Variant Classification Criteria Version 2. Collection method: clinical testing. Allele origin: germline. Affected: yes. Observed: 1 variant allele.

Natera, Inc.
Classification: Uncertain significance for Bardet-Biedl syndrome type 12. Last evaluated: 2020-03-31. Review status: no assertion criteria provided. Collection method: clinical testing. Allele origin: germline. Not counted in ClinVar's aggregate classification.

Counsyl
Classification: Uncertain significance for Bardet-Biedl syndrome 12. Last evaluated: 2017-05-25. Review status: no assertion criteria provided. Collection method: clinical testing. Allele origin: unknown. Not counted in ClinVar's aggregate classification.

NM_152618.3(BBS12):c.31AGA[1] (p.Arg12del)

Gene: BBS12 (Bardet-Biedl syndrome 12; plus strand). Cytogenetic location: 4q27.
Variant type: Microsatellite.
Coding change: c.31AGA[1] on transcript NM_152618.3 (MANE Select); one copy of the 3-base unit AGA starting at c.31; the reference has two copies in a row; one copy, 3 bases deleted; also written c.34_36del.
Protein change: p.Arg12del; deletes arginine 12.
Molecular consequence: inframe deletion.
Genome position (GRCh38, 1-based): chr4:122,741,926-122,741,928, AGA deleted; deleting any 3 consecutive bases within chr4:122,741,922-122,741,928 gives the same sequence; the position shown is the placement nearest the transcript's 3' end. VCF-style (leftmost placement, unchanged base first): chr4-122741921-AAAG-A. GRCh37 (hg19) VCF-style: chr4-123663076-AAAG-A.
Other names: c.34_36del (NM_152618.3); c.31AGA[1], p.Arg12del (NM_001178007.2); short protein forms R12del.
Identifiers: ClinVar variation 444639 (VCV000444639.27), dbSNP rs752885483, ClinGen allele CA3069219.